The following is an entry in ClinVar:

NM_000059.4(BRCA2):c.9304G>T (p.Ala3102Ser)

Gene: BRCA2 (BRCA2 DNA repair associated; plus strand). Cytogenetic location: 13q13.1.
Variant type: single nucleotide variant.
Coding change: c.9304G>T on transcript NM_000059.4 (MANE Select); coding-DNA position 9304, G replaced by T.
Protein change: p.Ala3102Ser; replaces alanine 3102 with serine.
Molecular consequence: missense variant.
Genome position (GRCh38, 1-based): chr13:32,394,736, G>T. VCF-style: chr13-32394736-G-T. GRCh37 (hg19) VCF-style: chr13-32968873-G-T.
Other names: short protein forms A3102S.
Identifiers: ClinVar variation 978775 (VCV000978775.1), dbSNP rs747073940, ClinGen allele CA387760897.
Genomic context (GRCh38, chr13:32,394,736, plus strand): 5'-TTTTCCATTCTAGGACTTGCCCCTTTCGTCTATTTGTCAGACGAATGTTACAATTTACTG[G>T]CAATAAAGTTTTGGATAGACCTTAATGAGGACATTATTAAGCCTCATATGTTAATTGCTG-3'
Protein context (NP_000050.3, residues 3092-3112): YLSDECYNLL[Ala3102Ser]IKFWIDLNED

ClinVar aggregate classification (germline): Uncertain significance (1 of 4 stars; one submission).

Conditions:
Breast-ovarian cancer, familial, susceptibility to, 2 (BROVCA2). Also called: BRCA2 Hereditary Breast and Ovarian Cancer. Identifiers: Orphanet 145, MedGen C2675520, MONDO:0012933, OMIM 612555. Disease mechanism: loss of function.

Submission:

Division of Medical Genetics, University of Washington
Classification: Uncertain significance for Breast-ovarian cancer, familial, susceptibility to, 2. Last evaluated: 2019-11-22. Review status: criteria provided, single submitter. Criteria: ACMG Guidelines, 2015. Collection method: clinical testing. Allele origin: germline. Affected: no. Study: CSER_CHARM.
Comment: To our knowledge, this sequence variant has not been previously reported in the literature. This variant is not present in population databases. In silico analyses indicate this is an evolutionarily conserved residue. Thus, it is unknown at this time whether this variant increases cancer risk. PS4; PP3